The following is an entry in ClinVar:

ClinVar aggregate classification (germline): Uncertain significance (1 of 4 stars; one submission).

Submission:

GeneDx
Classification: Uncertain significance. Last evaluated: 2024-11-07. Review status: criteria provided, single submitter. Criteria: GeneDx Variant Classification Process June 2021. Collection method: clinical testing. Allele origin: germline. Affected: yes.
Comment: Not observed at significant frequency in large population cohorts (gnomAD); In silico analysis indicates that this missense variant does not alter protein structure/function; This variant is associated with the following publications: (PMID: 35982159, 33057194)

NM_003601.4(SMARCA5):c.1596G>T (p.Gln532His)

Gene: SMARCA5 (SNF2 related chromatin remodeling ATPase 5; plus strand). Cytogenetic location: 4q31.21.
Variant type: single nucleotide variant.
Coding change: c.1596G>T on transcript NM_003601.4 (MANE Select); coding-DNA position 1596, G replaced by T.
Protein change: p.Gln532His; replaces glutamine 532 with histidine.
Molecular consequence: missense variant.
Genome position (GRCh38, 1-based): chr4:143,538,690, G>T. VCF-style: chr4-143538690-G-T. GRCh37 (hg19) VCF-style: chr4-144459843-G-T.
Other names: short protein forms Q532H.
Identifiers: ClinVar variation 3898907 (VCV003898907.1).